The following is an entry in ClinVar:

ClinVar aggregate classification (germline): Uncertain significance (1 of 4 stars; one submission).

Submission:

GeneDx
Classification: Uncertain significance. Last evaluated: 2023-05-07. Review status: criteria provided, single submitter. Criteria: GeneDx Variant Classification Process June 2021. Collection method: clinical testing. Allele origin: germline. Affected: yes.
Comment: Not observed at significant frequency in large population cohorts (gnomAD); In silico analysis supports that this missense variant has a deleterious effect on protein structure/function; Has not been previously published as pathogenic or benign to our knowledge

NM_181332.3(NLGN4X):c.1297C>G (p.Pro433Ala)

Gene: NLGN4X (neuroligin 4 X-linked; minus strand). Cytogenetic location: Xp22.32.
Variant type: single nucleotide variant.
Coding change: c.1297C>G on transcript NM_181332.3 (MANE Select); coding-DNA position 1297, C replaced by G.
Protein change: p.Pro433Ala; replaces proline 433 with alanine.
Molecular consequence: missense variant.
Genome position (GRCh38, 1-based): chrX:5,903,381, G>C on the plus strand (C>G on the coding strand, the complement: NLGN4X is on the minus strand). VCF-style: chrX-5903381-G-C. GRCh37 (hg19) VCF-style: chrX-5821422-G-C.
Other names: c.1297C>G, p.Pro433Ala (NM_001282145.2, NM_001282146.2, NM_020742.4); short protein forms P433A.
Identifiers: ClinVar variation 3343337 (VCV003343337.1).